The following is an entry in ClinVar:

NM_000268.4(NF2):c.1232G>T (p.Arg411Leu)

Gene: NF2 (NF2, moesin-ezrin-radixin like (MERLIN) tumor suppressor; plus strand). Cytogenetic location: 22q12.2.
Variant type: single nucleotide variant.
Coding change: c.1232G>T on transcript NM_000268.4 (MANE Select); coding-DNA position 1232, G replaced by T.
Protein change: p.Arg411Leu; replaces arginine 411 with leucine.
Molecular consequence: missense variant. On other transcripts: intron variant (1).
Genome position (GRCh38, 1-based): chr22:29,673,378, G>T. VCF-style: chr22-29673378-G-T. GRCh37 (hg19) VCF-style: chr22-30069367-G-T.
Other names: c.1118G>T, p.Arg373Leu (NM_001407053.1, NM_001407056.1); c.1109G>T, p.Arg370Leu (NM_001407054.1, NM_001407058.1, NM_181829.3); c.1106G>T, p.Arg369Leu (NM_001407055.1, NM_181828.3); c.1097G>T, p.Arg366Leu (NM_001407057.1, NM_001407059.1); c.1232G>T, p.Arg411Leu (NM_001407060.1, NM_001407066.1, NM_016418.5 and 2 more transcripts); c.974G>T, p.Arg325Leu (NM_001407062.1); c.983G>T, p.Arg328Leu (NM_001407063.1, NM_001407064.1, NM_181830.3 and 1 more transcripts); c.698G>T, p.Arg233Leu (NM_001407065.1); and 2 more; short protein forms R233L, R334L, R369L, R411L, R325L, R366L, R328L, R370L.
Identifiers: ClinVar variation 5025696 (VCV005025696.1).

ClinVar aggregate classification (germline): Uncertain significance (1 of 4 stars; one submission).

Conditions:
Hereditary cancer-predisposing syndrome. Also called: Neoplastic Syndromes, Hereditary; Tumor predisposition; Hereditary neoplastic syndrome; Hereditary Cancer Syndrome. Identifiers: Orphanet 140162, MedGen C0027672, MeSH D009386, MONDO:0015356.

Submission:

Ambry Genetics
Classification: Uncertain significance for Hereditary cancer-predisposing syndrome. Last evaluated: 2026-07-06. Review status: criteria provided, single submitter. Criteria: Ambry Variant Classification Scheme 2023. Collection method: clinical testing. Allele origin: germline.
Comment: The p.R411L variant (also known as c.1232G>T), located in coding exon 12 of the NF2 gene, results from a G to T substitution at nucleotide position 1232. The arginine at codon 411 is replaced by leucine, an amino acid with dissimilar properties. This amino acid position is conserved. In addition, this alteration is predicted to be deleterious by in silico analysis. Based on the available evidence, the clinical significance of this variant remains unclear.